The following is an entry in ClinVar:

NM_018896.5(CACNA1G):c.3427GAG[1] (p.Glu1144del)

Gene: CACNA1G (calcium voltage-gated channel subunit alpha1 G; plus strand). Cytogenetic location: 17q21.33.
Variant type: Microsatellite.
Coding change: c.3427GAG[1] on transcript NM_018896.5 (MANE Select); one copy of the 3-base unit GAG starting at c.3427; the reference has two copies in a row; one copy, 3 bases deleted.
Protein change: p.Glu1144del; deletes glutamic acid 1144.
Molecular consequence: non-coding transcript variant (on NR_046054.2).
Genome position (GRCh38, 1-based): chr17:50,599,599-50,599,601, GAG deleted; deleting any 3 consecutive bases within chr17:50,599,596-50,599,601 gives the same sequence; the position shown is the placement nearest the transcript's 3' end. VCF-style (leftmost placement, unchanged base first): chr17-50599595-AGAG-A. GRCh37 (hg19) VCF-style: chr17-48676956-AGAG-A.
Other names: c.3427GAG[1], p.Glu1144del (NM_001256324.2, NM_001256325.2, NM_001256326.2 and 16 more transcripts); c.3358GAG[1], p.Glu1121del (NM_001256332.2, NM_198376.3, NM_198379.3 and 5 more transcripts); short protein forms E1121del, E1144del.
Identifiers: ClinVar variation 3365350 (VCV003365350.1).

ClinVar aggregate classification (germline): Uncertain significance (1 of 4 stars; one submission).

Submission:

GeneDx
Classification: Uncertain significance. Last evaluated: 2023-12-11. Review status: criteria provided, single submitter. Criteria: GeneDx Variant Classification Process June 2021. Collection method: clinical testing. Allele origin: germline. Affected: yes.
Comment: Not observed at significant frequency in large population cohorts (gnomAD); In-frame deletion of 1 amino acids in a non-repeat region; In silico analysis supports a deleterious effect on protein structure/function; Has not been previously published as pathogenic or benign to our knowledge